The following is an entry in ClinVar:

NM_002878.4(RAD51D):c.263+1508G>C

Genes: RAD51D (RAD51 paralog D; minus strand), RAD51L3-RFFL (RAD51L3-RFFL readthrough; minus strand). Cytogenetic location: 17q12.
Variant type: single nucleotide variant.
Coding change: c.263+1508G>C on transcript NM_002878.4 (MANE Select); 1508 bases into the intron after coding-DNA position 263, G replaced by C.
Molecular consequence: intron variant. On other transcripts: synonymous variant (1).
Genome position (GRCh38, 1-based): chr17:35,116,993, C>G on the plus strand (G>C on the coding strand, the complement: RAD51D is on the minus strand). VCF-style: chr17-35116993-C-G. GRCh37 (hg19) VCF-style: chr17-33444012-C-G.
Other names: c.189G>C, p.Leu63= (NM_001142571.2); c.144+2118G>C (NM_133629.3).
Identifiers: ClinVar variation 5001010 (VCV005001010.1).
Genomic context (GRCh38, chr17:35,116,993, plus strand): 5'-TCCTGCCTTCTTCAGAGCATTCCTGACCCCACTCCACGATCTCCCTGCGGGGACCTGAGG[C>G]AGCTGCAGTCCTCCCAGGTTCCCACTTGAGTGCGCCCTCCATGTCTGTTGGATTTATAAA-3'

ClinVar aggregate classification (germline): Likely benign (1 of 4 stars; one submission).

Conditions:
RAD51D-related disorder. Also called: RAD51D-related condition.

Submission:

PreventionGenetics, part of Exact Sciences
Classification: Likely benign for RAD51D-related condition. Last evaluated: 2025-07-22. Review status: criteria provided, single submitter. Criteria: ACMG Guidelines, 2015. Collection method: clinical testing. Allele origin: germline.
Comment: This variant is classified as likely benign based on ACMG/AMP sequence variant interpretation guidelines (Richards et al. 2015 PMID: 25741868, with internal and published modifications).